The following is an entry in ClinVar:

ClinVar aggregate classification (germline): Pathogenic. Review status: criteria provided, multiple submitters, no conflicts (2 of 4 stars). 5 submissions from 5 submitters: Pathogenic (4). 1 of the submissions does not count toward it. Last evaluated 2025-12-19.

Conditions:
Lynch syndrome 5 (LYNCH5). Also called: Colorectal cancer, hereditary nonpolyposis, type 5; Hereditary non-polyposis colorectal cancer, type 5. Identifiers: Orphanet 144, MedGen C1833477, MONDO:0013710, OMIM 614350. Disease mechanism: loss of function.
Gastric cancer. Also called: Malignant tumor of stomach; Stomach cancer. Identifiers: MedGen C0024623, MeSH D013274, MONDO:0001056, OMIM 613659, HP:0012126.
Hereditary nonpolyposis colorectal neoplasms. Identifiers: MedGen C0009405, MeSH D003123.
Hereditary cancer-predisposing syndrome. Also called: Hereditary Cancer Syndrome; Tumor predisposition; Neoplastic Syndromes, Hereditary; Hereditary neoplastic syndrome. Identifiers: Orphanet 140162, MedGen C0027672, MeSH D009386, MONDO:0015356.

Submissions (5):

Ambry Genetics
Classification: Pathogenic for Hereditary cancer-predisposing syndrome. Last evaluated: 2025-12-19. Review status: criteria provided, single submitter. Criteria: Ambry Variant Classification Scheme 2023. Collection method: clinical testing. Allele origin: germline.
Comment: The c.114delC pathogenic mutation, located in coding exon 1 of the MSH6 gene, results from a deletion of one nucleotide at nucleotide position 114, causing a translational frameshift with a predicted alternate stop codon (p.A40Pfs*41). This variant is considered to be rare based on population cohorts in the Genome Aggregation Database (gnomAD). This alteration is expected to result in loss of function by premature protein truncation or nonsense-mediated mRNA decay. As such, this alteration is interpreted as a disease-causing mutation.

Labcorp Genetics (formerly Invitae), Labcorp
Classification: Pathogenic for Hereditary nonpolyposis colorectal neoplasms. Last evaluated: 2025-04-28. Review status: criteria provided, single submitter. Criteria: Invitae Variant Classification Sherloc (09022015). Collection method: clinical testing. Allele origin: germline.
Comment: This sequence change creates a premature translational stop signal (p.Ala40Profs*41) in the MSH6 gene. It is expected to result in an absent or disrupted protein product. Loss-of-function variants in MSH6 are known to be pathogenic (PMID: 18269114, 24362816). This variant is not present in population databases (gnomAD no frequency). This premature translational stop signal has been observed in individual(s) with MSH6-related cancers (PMID: 36744932, 38093606). ClinVar contains an entry for this variant (Variation ID: 628894). For these reasons, this variant has been classified as Pathogenic.

Myriad Genetics, Inc.
Classification: Pathogenic for Lynch syndrome 5. Last evaluated: 2023-08-09. Review status: criteria provided, single submitter. Criteria: Myriad Autosomal Dominant, Autosomal Recessive and X-Linked Classification Criteria (2023). Collection method: clinical testing. Allele origin: unknown.
Comment: This variant is considered pathogenic. This variant creates a frameshift predicted to result in premature protein truncation.

Color Diagnostics, LLC DBA Color Health
Classification: Pathogenic for Hereditary cancer-predisposing syndrome. Last evaluated: 2020-01-15. Review status: criteria provided, single submitter. Criteria: ACMG Guidelines, 2015. Collection method: clinical testing. Allele origin: germline.
Comment: This variant deletes 1 nucleotide in exon 1 of the MSH6 gene, creating a frameshift and premature translation stop signal. This variant is expected to result in an absent or non-functional protein product. This variant has not been identified in the general population by the Genome Aggregation Database (gnomAD). Loss of MSH6 function is a known mechanism of disease. Based on the available evidence, this variant is classified as Pathogenic.

Laboratory for Genotyping Development, RIKEN
Classification: Pathogenic for Gastric cancer. Last evaluated: 2021-07-01. Review status: no assertion criteria provided. Collection method: research. Allele origin: germline. Not counted in ClinVar's aggregate classification.

Literature cited by the submitters: PubMed 18269114 (cited by Labcorp Genetics (formerly Invitae), Labcorp); PubMed 24362816 (cited by Labcorp Genetics (formerly Invitae), Labcorp); PubMed 36744932 (cited by Labcorp Genetics (formerly Invitae), Labcorp); PubMed 38093606 (cited by Labcorp Genetics (formerly Invitae), Labcorp); PubMed 36988593 (cited by Laboratory for Genotyping Development, RIKEN).

NM_000179.3(MSH6):c.114del (p.Ala40fs)

Gene: MSH6 (mutS homolog 6; plus strand). Cytogenetic location: 2p16.3.
Variant type: Deletion.
Coding change: c.114del on transcript NM_000179.3 (MANE Select); coding-DNA position 114, one base deleted (C; older notation c.114delC).
Protein change: p.Ala40fs; shifts the reading frame from alanine 40.
Molecular consequence: frameshift variant. On other transcripts: 5 prime UTR variant (1).
Genome position (GRCh38, 1-based): chr2:47,783,347, C deleted; the last of 5 consecutive C bases (chr2:47,783,343-47,783,347); deleting any one gives the same sequence. VCF-style (leftmost placement, unchanged base first): chr2-47783342-GC-G. GRCh37 (hg19) VCF-style: chr2-48010481-GC-G.
Other names: c.114del, p.Ala40fs (NM_001281492.2); c.-623del (NM_001281493.2); c.114delC (NM_000179.2); short protein forms A40fs.
Identifiers: ClinVar variation 628894 (VCV000628894.28), dbSNP rs1558644995, ClinGen allele CA913187953.